The following is an entry in ClinVar:

ClinVar aggregate classification (germline): Uncertain significance (1 of 4 stars; one submission).

Allele frequency attached by ClinVar (database versions not stated): gnomAD exomes below 0.00001.
gnomAD v4.1: 3 of 1,613,274 alleles (0.00019%); highest among the groups gnomAD compares: Non-Finnish European, 0.00017%; no homozygotes.

Submission:

GeneDx
Classification: Uncertain significance. Last evaluated: 2021-01-13. Review status: criteria provided, single submitter. Criteria: GeneDx Variant Classification Process June 2021. Collection method: clinical testing. Allele origin: germline. Affected: yes.
Comment: Has not been previously published as pathogenic or benign to our knowledge; Not observed at a significant frequency in large population cohorts (Lek et al., 2016); In silico analysis supports that this missense variant does not alter protein structure/function

NM_020297.4(ABCC9):c.1547A>C (p.Lys516Thr)

Gene: ABCC9 (ATP binding cassette subfamily C member 9; minus strand). Cytogenetic location: 12p12.1.
Variant type: single nucleotide variant.
Coding change: c.1547A>C on transcript NM_020297.4 (MANE Select); coding-DNA position 1547, A replaced by C.
Protein change: p.Lys516Thr; replaces lysine 516 with threonine.
Molecular consequence: missense variant.
Genome position (GRCh38, 1-based): chr12:21,906,197, T>G on the plus strand (A>C on the coding strand, the complement: ABCC9 is on the minus strand). VCF-style: chr12-21906197-T-G. GRCh37 (hg19) VCF-style: chr12-22059131-T-G.
Other names: c.1547A>C, p.Lys516Thr (NM_001377273.1, NM_005691.4); c.683A>C, p.Lys228Thr (NM_001377274.1); short protein forms K228T, K516T.
Identifiers: ClinVar variation 1313814 (VCV001313814.2), dbSNP rs1427379884, ClinGen allele CA384139220.